The following is an entry in ClinVar:

ClinVar aggregate classification (germline): Uncertain significance (1 of 4 stars; one submission).

Allele frequency attached by ClinVar (database versions not stated): gnomAD exomes below 0.00001 and 0.00001; ExAC 0.00001.
gnomAD v4.1: 9 of 1,614,052 alleles (0.00056%); highest among the groups gnomAD compares: African/African-American, 0.0027%; no homozygotes.

Submission:

Women's Health and Genetics/Laboratory Corporation of America, LabCorp
Classification: Uncertain significance. Last evaluated: 2022-02-06. Review status: criteria provided, single submitter. Criteria: LabCorp Variant Classification Summary - May 2015. Collection method: clinical testing. Allele origin: germline.
Comment: Variant summary: A2ML1 c.3296C>T (p.Ala1099Val) results in a non-conservative amino acid change located in the Alpha-macroglobulin-like, TED domain (IPR011626) of the encoded protein sequence. Five of five in-silico tools predict a damaging effect of the variant on protein function. The variant allele was found at a frequency of 4e-06 in 249570 control chromosomes. The available data on variant occurrences in the general population are insufficient to allow any conclusion about variant significance. To our knowledge, no occurrence of c.3296C>T in individuals affected with Noonan Syndrome and no experimental evidence demonstrating its impact on protein function have been reported. No clinical diagnostic laboratories have submitted clinical-significance assessments for this variant to ClinVar after 2014. Based on the evidence outlined above, the variant was classified as uncertain significance.

NM_144670.6(A2ML1):c.3296C>T (p.Ala1099Val)

Gene: A2ML1 (alpha-2-macroglobulin like 1; plus strand). Cytogenetic location: 12p13.31.
Variant type: single nucleotide variant.
Coding change: c.3296C>T on transcript NM_144670.6 (MANE Select); coding-DNA position 3296, C replaced by T.
Protein change: p.Ala1099Val; replaces alanine 1099 with valine.
Molecular consequence: missense variant.
Genome position (GRCh38, 1-based): chr12:8,860,912, C>T. VCF-style: chr12-8860912-C-T. GRCh37 (hg19) VCF-style: chr12-9013508-C-T.
Other names: c.1823C>T, p.Ala608Val (NM_001282424.3); short protein forms A1099V, A608V.
Identifiers: ClinVar variation 1343747 (VCV001343747.1), dbSNP rs751968824, ClinGen allele CA6436329.